The following is an entry in ClinVar:

NM_001077365.2(POMT1):c.1091del (p.Leu364fs)

Gene: POMT1 (protein O-mannosyltransferase 1; plus strand). Cytogenetic location: 9q34.13.
Variant type: Deletion.
Coding change: c.1091del on transcript NM_001077365.2 (MANE Select); coding-DNA position 1091, one base deleted (T; older notation c.1091delT).
Protein change: p.Leu364fs; shifts the reading frame from leucine 364.
Molecular consequence: frameshift variant. On other transcripts: non-coding transcript variant (10), intron variant (1).
Genome position (GRCh38, 1-based): chr9:131,513,247, T deleted. VCF-style (leftmost placement, unchanged base first): chr9-131513246-CT-C. GRCh37 (hg19) VCF-style: chr9-134388633-CT-C.
Other names: c.929del, p.Leu310fs (NM_001077366.2, NM_001353194.2); c.1091del, p.Leu364fs (NM_001136113.2, NM_001374690.1); c.740del, p.Leu247fs (NM_001136114.2, NM_001353195.2, NM_001374691.1 and 1 more transcripts); c.1157del, p.Leu386fs (NM_001353193.2, NM_007171.4); c.1001del, p.Leu334fs (NM_001353196.2); c.995del, p.Leu332fs (NM_001353197.2, NM_001353198.2); c.806del, p.Leu269fs (NM_001353199.2); c.635del, p.Leu212fs (NM_001353200.2); and 3 more; short protein forms L386fs, L234fs, L332fs, L212fs, L247fs, L310fs, L334fs, L360fs.
Identifiers: ClinVar variation 933596 (VCV000933596.8), dbSNP rs1947522752, ClinGen allele CA1139661263.

ClinVar aggregate classification (germline): Pathogenic (1 of 4 stars; one submission).

Conditions:
Autosomal recessive limb-girdle muscular dystrophy type 2K. Also called: MUSCULAR DYSTROPHY-DYSTROGLYCANOPATHY (LIMB-GIRDLE), TYPE C, 1; MUSCULAR DYSTROPHY, LIMB-GIRDLE, TYPE 2K. Identifiers: Orphanet 86812, MedGen C1836373, MONDO:0012248, OMIM 609308.
Walker-Warburg congenital muscular dystrophy. Also called: Muscular dystrophy-dystroglycanopathy, type A; Walker-Warburg syndrome. Identifiers: Orphanet 899, MedGen C0265221, MONDO:0000171.
Muscular dystrophy-dystroglycanopathy (congenital with impaired intellectual development), type B, 1. Also called: Muscular dystrophy-dystroglycanopathy (congenital with intellectual disability), type B1; MUSCULAR DYSTROPHY, CONGENITAL, POMT1-RELATED. Identifiers: MedGen C5436962, MONDO:0013159, OMIM 613155.

Submission:

Labcorp Genetics (formerly Invitae), Labcorp
Classification: Pathogenic for Muscular dystrophy-dystroglycanopathy (congenital with impaired intellectual development), type B, 1; Walker-Warburg congenital muscular dystrophy; Autosomal recessive limb-girdle muscular dystrophy type 2K. Last evaluated: 2022-11-29. Review status: criteria provided, single submitter. Criteria: Invitae Variant Classification Sherloc (09022015). Collection method: clinical testing. Allele origin: germline.
Comment: For these reasons, this variant has been classified as Pathogenic. ClinVar contains an entry for this variant (Variation ID: 933596). This variant has not been reported in the literature in individuals affected with POMT1-related conditions. This variant is not present in population databases (gnomAD no frequency). This sequence change creates a premature translational stop signal (p.Leu386Argfs*3) in the POMT1 gene. It is expected to result in an absent or disrupted protein product. Loss-of-function variants in POMT1 are known to be pathogenic (PMID: 12369018, 15637732, 16575835).

Literature cited by the submitters: PubMed 12369018; PubMed 15637732; PubMed 16575835.